The following is an entry in ClinVar:

ClinVar aggregate classification (germline): Uncertain significance. Review status: criteria provided, multiple submitters, no conflicts (2 of 4 stars). 3 submissions from 3 submitters: Uncertain significance (3). Last evaluated 2024-05-10.

Conditions:
Inborn genetic diseases. Identifiers: MedGen C0950123, MeSH D030342.
Autosomal recessive inherited pseudoxanthoma elasticum (PXE). Identifiers: Orphanet 758, MedGen CN032334, MONDO:0009925, OMIM 264800.
Spondylo-ocular syndrome. Also called: Spondyloocular syndrome, autosomal recessive. Identifiers: Orphanet 85194, MedGen C4225412, MONDO:0011604, OMIM 605822.

Allele frequency attached by ClinVar (database versions not stated): 1000 Genomes Project 0.00020; ESP Exome Variant Server 0.00008; 1000 Genomes Project 30x 0.00031.
gnomAD v4.1: 81 of 1,614,146 alleles (0.005%); highest among the groups gnomAD compares: African/African-American, 0.059%; no homozygotes.

Submissions (3):

Fulgent Genetics
Classification: Uncertain significance for Autosomal recessive inherited pseudoxanthoma elasticum; Spondylo-ocular syndrome. Last evaluated: 2024-05-10. Review status: criteria provided, single submitter. Criteria: ACMG Guidelines, 2015. Collection method: clinical testing. Allele origin: germline.

Ambry Genetics
Classification: Uncertain significance for Inborn genetic diseases. Last evaluated: 2023-03-02. Review status: criteria provided, single submitter. Criteria: Ambry Variant Classification Scheme 2023. Collection method: clinical testing. Allele origin: germline.

Labcorp Genetics (formerly Invitae), Labcorp
Classification: Uncertain significance. Last evaluated: 2022-06-27. Review status: criteria provided, single submitter. Criteria: Invitae Variant Classification Sherloc (09022015). Collection method: clinical testing. Allele origin: germline.
Comment: This sequence change replaces proline, which is neutral and non-polar, with serine, which is neutral and polar, at codon 528 of the XYLT2 protein (p.Pro528Ser). This variant is present in population databases (rs147847688, gnomAD 0.05%). This variant has not been reported in the literature in individuals affected with XYLT2-related conditions. Algorithms developed to predict the effect of missense changes on protein structure and function output the following: SIFT: "Tolerated"; PolyPhen-2: "Benign"; Align-GVGD: "Class C0". The serine amino acid residue is found in multiple mammalian species, which suggests that this missense change does not adversely affect protein function. In summary, the available evidence is currently insufficient to determine the role of this variant in disease. Therefore, it has been classified as a Variant of Uncertain Significance.

NM_022167.4(XYLT2):c.1582C>T (p.Pro528Ser)

Gene: XYLT2 (xylosyltransferase 2; plus strand). Cytogenetic location: 17q21.33.
Variant type: single nucleotide variant.
Coding change: c.1582C>T on transcript NM_022167.4 (MANE Select); coding-DNA position 1582, C replaced by T.
Protein change: p.Pro528Ser; replaces proline 528 with serine.
Molecular consequence: missense variant.
Genome position (GRCh38, 1-based): chr17:50,356,610, C>T. VCF-style: chr17-50356610-C-T. GRCh37 (hg19) VCF-style: chr17-48433971-C-T.
Other names: short protein forms P528S.
Identifiers: ClinVar variation 1372865 (VCV001372865.5), dbSNP rs147847688, ClinGen allele CA8646491.